The following is an entry in ClinVar:

ClinVar aggregate classification (germline): Uncertain significance. Review status: criteria provided, multiple submitters, no conflicts (2 of 4 stars). 2 submissions from 2 submitters: Uncertain significance (2). Last evaluated 2025-09-12.

Conditions:
Familial thoracic aortic aneurysm and aortic dissection (TAAD). Also called: Thoracic aortic aneurysms and dissections. Identifiers: Orphanet 91387, MedGen C4707243, MONDO:0019625.
Hereditary cancer-predisposing syndrome. Also called: Neoplastic Syndromes, Hereditary; Tumor predisposition; Hereditary neoplastic syndrome; Hereditary Cancer Syndrome. Identifiers: Orphanet 140162, MedGen C0027672, MeSH D009386, MONDO:0015356.
Juvenile polyposis syndrome (JPS). Identifiers: Orphanet 2929, MedGen C0345893, MONDO:0017380, OMIM 174900.

Submissions (2):

Labcorp Genetics (formerly Invitae), Labcorp
Classification: Uncertain significance for Juvenile polyposis syndrome. Last evaluated: 2025-09-12. Review status: criteria provided, single submitter. Criteria: Invitae Variant Classification Sherloc (09022015). Collection method: clinical testing. Allele origin: germline.
Comment: This sequence change replaces valine, which is neutral and non-polar, with leucine, which is neutral and non-polar, at codon 409 of the SMAD4 protein (p.Val409Leu). This variant is not present in population databases (gnomAD no frequency). This variant has not been reported in the literature in individuals affected with SMAD4-related conditions. ClinVar contains an entry for this variant (Variation ID: 1754182). Invitae Evidence Modeling of protein sequence and biophysical properties (such as structural, functional, and spatial information, amino acid conservation, physicochemical variation, residue mobility, and thermodynamic stability) has been performed for this missense variant. However, the output from this modeling did not meet the statistical confidence thresholds required to predict the impact of this variant on SMAD4 protein function. Studies have shown that this missense change is associated with inconclusive levels of altered splicing (internal data). In summary, the available evidence is currently insufficient to determine the role of this variant in disease. Therefore, it has been classified as a Variant of Uncertain Significance.

Ambry Genetics
Classification: Uncertain significance for Hereditary cancer-predisposing syndrome; Familial thoracic aortic aneurysm and aortic dissection. Last evaluated: 2021-05-25. Review status: criteria provided, single submitter. Criteria: Ambry Variant Classification Scheme 2023. Collection method: clinical testing. Allele origin: germline.
Comment: The p.V409L variant (also known as c.1225G>T), located in coding exon 9 of the SMAD4 gene, results from a G to T substitution at nucleotide position 1225. The valine at codon 409 is replaced by leucine, an amino acid with highly similar properties. This amino acid position is highly conserved in available vertebrate species. In addition, this alteration is predicted to be deleterious by in silico analysis. Since supporting evidence is limited at this time, the clinical significance of this alteration remains unclear.

NM_005359.6(SMAD4):c.1225G>T (p.Val409Leu)

Gene: SMAD4 (SMAD family member 4; plus strand). Cytogenetic location: 18q21.2.
Variant type: single nucleotide variant.
Coding change: c.1225G>T on transcript NM_005359.6 (MANE Select); coding-DNA position 1225, G replaced by T.
Protein change: p.Val409Leu; replaces valine 409 with leucine.
Molecular consequence: missense variant.
Genome position (GRCh38, 1-based): chr18:51,067,104, G>T. VCF-style: chr18-51067104-G-T. GRCh37 (hg19) VCF-style: chr18-48593474-G-T.
Other names: c.1225G>T, p.Val409Leu (NM_001407041.1, NM_001407042.1); short protein forms V409L.
Identifiers: ClinVar variation 1754182 (VCV001754182.3), dbSNP rs2144452339, ClinGen allele CA402464895.